The following is an entry in ClinVar:

NM_001165963.4(SCN1A):c.3800T>C (p.Met1267Thr)

Genes: SCN1A (sodium voltage-gated channel alpha subunit 1; minus strand), LOC102724058 (uncharacterized LOC102724058; plus strand). Cytogenetic location: 2q24.3.
Variant type: single nucleotide variant.
Coding change: c.3800T>C on transcript NM_001165963.4 (MANE Select); coding-DNA position 3800, T replaced by C.
Protein change: p.Met1267Thr; replaces methionine 1267 with threonine.
Molecular consequence: missense variant. On other transcripts: non-coding transcript variant (1).
Genome position (GRCh38, 1-based): chr2:166,012,188, A>G on the plus strand (T>C on the coding strand, the complement: SCN1A is on the minus strand). VCF-style: chr2-166012188-A-G. GRCh37 (hg19) VCF-style: chr2-166868698-A-G.
Other names: c.3716T>C, p.Met1239Thr (NM_001165964.3, NM_001353957.2, NM_001353958.2); c.3800T>C, p.Met1267Thr (NM_001202435.3, NM_001353948.2); c.3767T>C, p.Met1256Thr (NM_001353949.2, NM_001353950.2, NM_001353951.2 and 2 more transcripts); c.3764T>C, p.Met1255Thr (NM_001353954.2, NM_001353955.2); c.3713T>C, p.Met1238Thr (NM_001353960.2); c.1358T>C, p.Met453Thr (NM_001353961.2); c.3800T>C (NM_001165963.3); short protein forms M1256T, M1267T, M1239T, M1255T, M453T, M1238T.
Identifiers: ClinVar variation 421777 (VCV000421777.2), dbSNP rs1064795355, ClinGen allele CA16617297.
Genomic context (GRCh38, chr2:166,012,188, plus strand): 5'-AGCCAACACCAGGCATTGGTGAAATATGTTTGATAGCCATATGCCACCCATTTTAGAAGC[A>G]TTTCCAGAATGAAAATGTAAGTGAAAACCTTGTCAGCATATTCCAACATCGTCTTAATCG-3'
Protein context (NP_001159435.1, residues 1257-1277): KVFTYIFILE[Met1267Thr]LLKWVAYGYQ

ClinVar aggregate classification (germline): Conflicting classifications of pathogenicity. Review status: criteria provided, conflicting classifications (1 of 4 stars). 2 submissions from 2 submitters: Likely pathogenic (1); Uncertain significance (1). Last evaluated 2018-05-03.

Conditions:
Developmental and epileptic encephalopathy 6B. Also called: Developmental and epileptic encephalopathy 6B, non-Dravet. Identifiers: MedGen C5543353, MONDO:0030268, OMIM 619317.

Allele frequency attached by ClinVar (database versions not stated): gnomAD exomes below 0.00001.

Submissions (2):

GeneDx
Classification: Likely pathogenic. Last evaluated: 2018-05-03. Review status: criteria provided, single submitter. Criteria: GeneDx Variant Classification (06012015). Collection method: clinical testing. Allele origin: germline. Affected: yes.
Comment: The M1267T variant has not been published as a pathogenic variant, nor has it been reported as a benign variant to our knowledge. It was not observed in approximately 6,500 individuals of European and African American ancestry in the NHLBI Exome Sequencing Project, indicating it is not a common benign variant in these populations. The M1267T variant is a non-conservative amino acid substitution, which is likely to impact secondary protein structure as these residues differ in polarity, charge, size and/or other properties. This substitution alters a conserved position that is predicted to be within the transmembrane segment S2 of the third homologous domain. In silico analysis predicts this variant is probably damaging to the protein structure/function. Furthermore, missense variants in nearby residues (F1263L, L1265P, K1270T) have been reported in the Human Gene Mutation Database in association with SCN1A-related disorder (Stenson et al., 2014), supporting the functional importance of this region of the protein. Therefore, this variant is likely pathogenic; however, the possibility that it is benign cannot be excluded.

Neuberg Centre For Genomic Medicine, NCGM
Classification: Uncertain significance for Developmental and epileptic encephalopathy 6B. Review status: criteria provided, single submitter. Criteria: ACMG Guidelines, 2015. Collection method: clinical testing. Allele origin: germline. Inheritance: Autosomal dominant inheritance. Affected: yes.
Comment: The missense variant p.Met1267Thr in SCN1A (NM_001165963.3) has been submitted to ClinVar as Likely Pathogenic, but no details are available for independent assessment. The p.Met1267Thr variant is novel (not in any individuals) in gnomAD Exomes and 1000 Genomes. The amino acid Met at position 1267 is changed to a Thr changing protein sequence and it might alter its composition and physico-chemical properties. The amino acid change p.Met1267Thr in SCN1A is predicted as conserved by GERP++ and PhyloP across 100 vertebrates. The variant is predicted to be damaging by both SIFT and PolyPhen2. For these reasons, this variant has been classified as Uncertain Significance(VUS).